The following is an entry in ClinVar:

NM_004036.5(ADCY3):c.1923C>T (p.Val641=)

Gene: ADCY3 (adenylate cyclase 3; minus strand). Cytogenetic location: 2p23.3.
Variant type: single nucleotide variant.
Coding change: c.1923C>T on transcript NM_004036.5 (MANE Select); coding-DNA position 1923, C replaced by T.
Protein change: p.Val641=; no amino-acid change (valine 641 retained).
Molecular consequence: synonymous variant.
Genome position (GRCh38, 1-based): chr2:24,834,529, G>A on the plus strand (C>T on the coding strand, the complement: ADCY3 is on the minus strand). VCF-style: chr2-24834529-G-A. GRCh37 (hg19) VCF-style: chr2-25057398-G-A.
Other names: c.1923C>T, p.Val641= (NM_001320613.2, NM_001377129.1, NM_001377130.1 and 1 more transcripts); c.1989C>T, p.Val663= (NM_001377128.1); c.1200C>T, p.Val400= (NM_001377131.1).
Identifiers: ClinVar variation 3043859 (VCV003043859.3), dbSNP rs144816894, ClinGen allele CA1553959.

ClinVar aggregate classification (germline): Likely benign. Review status: criteria provided, single submitter (1 of 4 stars). 2 submissions from 2 submitters: Likely benign (1). 1 of the submissions does not count toward it. Last evaluated 2024-10-15.

Conditions:
ADCY3-related disorder. Also called: ADCY3-related condition.

Allele frequency attached by ClinVar (database versions not stated): gnomAD 0.00006; ExAC 0.00012; ESP Exome Variant Server 0.00023.
gnomAD v4.1: 165 of 1,613,618 alleles (0.01%); highest among the groups gnomAD compares: Middle Eastern, 0.033%; no homozygotes.

Submissions (2):

Blueprint Genetics
Classification: Likely benign. Last evaluated: 2024-10-15. Review status: criteria provided, single submitter. Criteria: ACMG Guidelines, 2015. Collection method: clinical testing. Allele origin: germline.

PreventionGenetics, part of Exact Sciences
Classification: Likely benign for ADCY3-related condition. Last evaluated: 2021-02-02. Review status: no assertion criteria provided. Collection method: clinical testing. Allele origin: germline. Not counted in ClinVar's aggregate classification.
Comment: This variant is classified as likely benign based on ACMG/AMP sequence variant interpretation guidelines (Richards et al. 2015 PMID: 25741868, with internal and published modifications).